The following is an entry in ClinVar:

NM_001110556.2(FLNA):c.3597G>A (p.Ser1199=)

Gene: FLNA (filamin A; minus strand). Cytogenetic location: Xq28.
Variant type: single nucleotide variant.
Coding change: c.3597G>A on transcript NM_001110556.2 (MANE Select); coding-DNA position 3597, G replaced by A.
Protein change: p.Ser1199=; no amino-acid change (serine 1199 retained).
Molecular consequence: synonymous variant.
Genome position (GRCh38, 1-based): chrX:154,360,198, C>T on the plus strand (G>A on the coding strand, the complement: FLNA is on the minus strand). VCF-style: chrX-154360198-C-T. GRCh37 (hg19) VCF-style: chrX-153588566-C-T.
Other names: p.Ser1199=; c.3597G>A, p.Ser1199= (NM_001456.4).
Identifiers: ClinVar variation 377885 (VCV000377885.32), dbSNP rs200258756, ClinGen allele CA10560688.

ClinVar aggregate classification (germline): Benign/Likely benign. Review status: criteria provided, multiple submitters, no conflicts (2 of 4 stars). 11 submissions from 11 submitters: Benign (7); Likely benign (1). 3 of the submissions do not count toward it. Last evaluated 2026-02-03.

Conditions:
Frontometaphyseal dysplasia (FMD1). Identifiers: Orphanet 1826, MedGen C0265293, MONDO:0015942.
Melnick-Needles syndrome (MNS). Also called: MELNICK-NEEDLES OSTEODYSPLASTY; OSTEODYSPLASTY OF MELNICK AND NEEDLES; Melnick-Needles Syndrome (FLNA-MNS). Identifiers: Orphanet 2484, MedGen C0025237, MONDO:0010650, OMIM 309350.
Oto-palato-digital syndrome, type II (OPD2). Also called: FACIOPALATOOSSEOUS SYNDROME; Otopalatodigital Syndrome, Type II; OPD II SYNDROME; Otopalatodigital Syndrome Type 2 (FLNA-OPD2). Identifiers: Orphanet 669, Orphanet 90652, MedGen C1844696, MONDO:0010571, OMIM 304120.
Heterotopia, periventricular, X-linked dominant (PVNH1). Also called: PERIVENTRICULAR NODULAR HETEROTOPIA 1; PERIVENTRICULAR NODULAR HETEROTOPIA 4; HETEROTOPIA, PERIVENTRICULAR, 1; X-linked periventricular heterotopia. Identifiers: Orphanet 2149, Orphanet 82004, MedGen C1848213, MONDO:0010233, OMIM 300049.
Familial thoracic aortic aneurysm and aortic dissection (TAAD). Also called: Thoracic aortic aneurysms and dissections. Identifiers: Orphanet 91387, MedGen C4707243, MONDO:0019625.

Allele frequency attached by ClinVar (database versions not stated): 1000 Genomes Project 0.00026; ESP Exome Variant Server 0.00030; 1000 Genomes Project 30x 0.00042; ExAC 0.00047; gnomAD exomes 0.00050 and 0.00074; gnomAD 0.00054 and 0.00057; TOPMed 0.00054.
gnomAD v4.1: 865 of 1,209,593 alleles (0.072%); highest among the groups gnomAD compares: Non-Finnish European, 0.088%; 1 homozygote.

Submissions (11):

Labcorp Genetics (formerly Invitae), Labcorp
Classification: Benign for Oto-palato-digital syndrome, type II; Heterotopia, periventricular, X-linked dominant; Frontometaphyseal dysplasia; Melnick-Needles syndrome. Last evaluated: 2026-02-03. Review status: criteria provided, single submitter. Criteria: Invitae Variant Classification Sherloc (09022015). Collection method: clinical testing. Allele origin: germline.

Mayo Clinic Laboratories, Mayo Clinic
Classification: Benign. Last evaluated: 2025-09-11. Review status: criteria provided, single submitter. Criteria: ACMG Guidelines, 2015. Collection method: clinical testing. Allele origin: germline. Observed: 14 variant alleles.
Comment: BS1, BS2, BP4, BP7

ARUP Laboratories, Molecular Genetics and Genomics, ARUP Laboratories
Classification: Benign. Last evaluated: 2025-06-05. Review status: criteria provided, single submitter. Criteria: ARUP Molecular Germline Variant Investigation Process 2024. Collection method: clinical testing. Allele origin: germline.

Blueprint Genetics
Classification: Likely benign. Last evaluated: 2024-11-18. Review status: criteria provided, single submitter. Criteria: ACMG Guidelines, 2015. Collection method: clinical testing. Allele origin: germline.

Women's Health and Genetics/Laboratory Corporation of America, LabCorp
Classification: Benign. Last evaluated: 2023-07-30. Review status: criteria provided, single submitter. Criteria: LabCorp Variant Classification Summary - May 2015. Collection method: clinical testing. Allele origin: germline.

Athena Diagnostics
Classification: Benign. Last evaluated: 2018-03-08. Review status: criteria provided, single submitter. Criteria: Athena Diagnostics Criteria. Collection method: clinical testing. Allele origin: germline.

Ambry Genetics
Classification: Benign for Familial thoracic aortic aneurysm and aortic dissection. Last evaluated: 2016-05-09. Review status: criteria provided, single submitter. Criteria: Ambry Variant Classification Scheme 2023. Collection method: clinical testing. Allele origin: germline.

GeneDx
Classification: Benign. Last evaluated: 2015-06-29. Review status: criteria provided, single submitter. Criteria: GeneDx Variant Classification (06012015). Collection method: clinical testing. Allele origin: germline. Affected: yes.
Comment: This variant is considered likely benign or benign based on one or more of the following criteria: it is a conservative change, it occurs at a poorly conserved position in the protein, it is predicted to be benign by multiple in silico algorithms, and/or has population frequency not consistent with disease.

Clinical Genetics DNA and cytogenetics Diagnostics Lab, Erasmus MC, Erasmus Medical Center
Classification: Likely benign. Review status: no assertion criteria provided. Collection method: clinical testing. Allele origin: germline. Affected: yes. Study: VKGL Data-share Consensus. Not counted in ClinVar's aggregate classification.

Genome Diagnostics Laboratory, Amsterdam University Medical Center
Classification: Likely benign. Review status: no assertion criteria provided. Collection method: clinical testing. Allele origin: germline. Affected: yes. Study: VKGL Data-share Consensus. Not counted in ClinVar's aggregate classification.

Genome Diagnostics Laboratory, University Medical Center Utrecht
Classification: Likely benign. Review status: no assertion criteria provided. Collection method: clinical testing. Allele origin: germline. Affected: yes. Study: VKGL Data-share Consensus. Not counted in ClinVar's aggregate classification.